The following is an entry in ClinVar:

ClinVar aggregate classification (germline): Likely pathogenic (1 of 4 stars; one submission).

Conditions:
Congenital contractural arachnodactyly (CCA). Also called: BEALS SYNDROME; Beals-Hecht syndrome; Arthrogryposis, distal, type 9. Identifiers: Orphanet 115, MedGen C0220668, MONDO:0007363, OMIM 121050.

Allele frequency attached by ClinVar (database versions not stated): gnomAD exomes below 0.00001.
gnomAD v4.1: 1 of 1,613,938 alleles (0.000062%); highest among the groups gnomAD compares: Non-Finnish European, 0.000085%; no homozygotes.

Submission:

Labcorp Genetics (formerly Invitae), Labcorp
Classification: Likely pathogenic for Congenital contractural arachnodactyly. Last evaluated: 2020-07-27. Review status: criteria provided, single submitter. Criteria: Invitae Variant Classification Sherloc (09022015). Collection method: clinical testing. Allele origin: germline.
Comment: In summary, the currently available evidence indicates that the variant is pathogenic, but additional data are needed to prove that conclusively. Therefore, this variant has been classified as Likely Pathogenic. Algorithms developed to predict the effect of missense changes on protein structure and function (SIFT, PolyPhen-2, Align-GVGD) all suggest that this variant is likely to be disruptive, but these predictions have not been confirmed by published functional studies and their clinical significance is uncertain. This variant has been observed in individual(s) with clinical features of congenital contractural arachnodactyly (Invitae). In at least one individual the variant was observed to be de novo. This variant is not present in population databases (ExAC no frequency). This sequence change replaces cysteine with tyrosine at codon 2041 of the FBN2 protein (p.Cys2041Tyr). The cysteine residue is highly conserved and there is a large physicochemical difference between cysteine and tyrosine.

NM_001999.4(FBN2):c.6122G>A (p.Cys2041Tyr)

Gene: FBN2 (fibrillin 2; minus strand). Cytogenetic location: 5q23.3.
Variant type: single nucleotide variant.
Coding change: c.6122G>A on transcript NM_001999.4 (MANE Select); coding-DNA position 6122, G replaced by A.
Protein change: p.Cys2041Tyr; replaces cysteine 2041 with tyrosine.
Molecular consequence: missense variant.
Genome position (GRCh38, 1-based): chr5:128,300,861, C>T on the plus strand (G>A on the coding strand, the complement: FBN2 is on the minus strand). VCF-style: chr5-128300861-C-T. GRCh37 (hg19) VCF-style: chr5-127636553-C-T.
Other names: short protein forms C2041Y.
Identifiers: ClinVar variation 1067400 (VCV001067400.9), dbSNP rs2126833724, ClinGen allele CA360766345.